The following is an entry in ClinVar:

NM_007289.4(MME):c.1909C>T (p.Gln637Ter)

Gene: MME (membrane metalloendopeptidase; plus strand). Cytogenetic location: 3q25.2.
Variant type: single nucleotide variant.
Coding change: c.1909C>T on transcript NM_007289.4 (MANE Select); coding-DNA position 1909, C replaced by T.
Protein change: p.Gln637Ter; replaces glutamine 637 with a stop codon.
Molecular consequence: nonsense.
Genome position (GRCh38, 1-based): chr3:155,168,620, C>T. VCF-style: chr3-155168620-C-T. GRCh37 (hg19) VCF-style: chr3-154886409-C-T.
Other names: c.1909C>T, p.Gln637Ter (NM_000902.5, NM_001354642.2, NM_001354643.1 and 2 more transcripts); short protein forms Q637*.
Identifiers: ClinVar variation 3680878 (VCV003680878.2).
Genomic context (GRCh38, chr3:155,168,620, plus strand): 5'-GAGCAATCCCAGTGCATGGTGTATCAGTATGGAAACTTTTCCTGGGACCTGGCAGGTGGA[C>T]AGCACGTATGTCATTAGCATTCTCTTGAAAAGTTTTAGACATGTTCAATCTTAAGTGTAT-3'

ClinVar aggregate classification (germline): Pathogenic (1 of 4 stars; one submission).

gnomAD v4.1: 1 of 1,613,804 alleles (0.000062%); highest among the groups gnomAD compares: Non-Finnish European, 0.000085%; no homozygotes.

Submission:

Labcorp Genetics (formerly Invitae), Labcorp
Classification: Pathogenic. Last evaluated: 2024-04-09. Review status: criteria provided, single submitter. Criteria: Invitae Variant Classification Sherloc (09022015). Collection method: clinical testing. Allele origin: germline.
Comment: This sequence change creates a premature translational stop signal (p.Gln637*) in the MME gene. It is expected to result in an absent or disrupted protein product. Loss-of-function variants in MME are known to be pathogenic (PMID: 26991897). This variant is not present in population databases (gnomAD no frequency). This variant has not been reported in the literature in individuals affected with MME-related conditions. For these reasons, this variant has been classified as Pathogenic.

Literature cited by the submitters: PubMed 26991897.